The following is an entry in ClinVar:

NM_005502.4(ABCA1):c.3497G>A (p.Gly1166Asp)

Gene: ABCA1 (ATP binding cassette subfamily A member 1; minus strand). Cytogenetic location: 9q31.1.
Variant type: single nucleotide variant.
Coding change: c.3497G>A on transcript NM_005502.4 (MANE Select); coding-DNA position 3497, G replaced by A.
Protein change: p.Gly1166Asp; replaces glycine 1166 with aspartic acid.
Molecular consequence: missense variant.
Genome position (GRCh38, 1-based): chr9:104,817,370, C>T on the plus strand (G>A on the coding strand, the complement: ABCA1 is on the minus strand). VCF-style: chr9-104817370-C-T. GRCh37 (hg19) VCF-style: chr9-107579651-C-T.
Other names: short protein forms G1166D.
Identifiers: ClinVar variation 3224748 (VCV003224748.1), dbSNP rs2538131494, ClinGen allele CA374318431.

ClinVar aggregate classification (germline): Uncertain significance (1 of 4 stars; one submission).

Conditions:
Cardiovascular phenotype. Identifiers: MedGen CN230736.

Submission:

Ambry Genetics
Classification: Uncertain significance for Cardiovascular phenotype. Last evaluated: 2023-10-05. Review status: criteria provided, single submitter. Criteria: Ambry Variant Classification Scheme 2023. Collection method: clinical testing. Allele origin: germline.
Comment: The p.G1166D variant (also known as c.3497G>A), located in coding exon 23 of the ABCA1 gene, results from a G to A substitution at nucleotide position 3497. The glycine at codon 1166 is replaced by aspartic acid, an amino acid with similar properties. This amino acid position is conserved. In addition, this alteration is predicted to be deleterious by in silico analysis. Since supporting evidence is limited at this time, the clinical significance of this alteration remains unclear.